The following is an entry in ClinVar:

NM_000494.4(COL17A1):c.2063G>A (p.Arg688Gln)

Gene: COL17A1 (collagen type XVII alpha 1 chain; minus strand). Cytogenetic location: 10q25.1.
Variant type: single nucleotide variant.
Coding change: c.2063G>A on transcript NM_000494.4 (MANE Select); coding-DNA position 2063, G replaced by A.
Protein change: p.Arg688Gln; replaces arginine 688 with glutamine.
Molecular consequence: missense variant.
Genome position (GRCh38, 1-based): chr10:104,050,877, C>T on the plus strand (G>A on the coding strand, the complement: COL17A1 is on the minus strand). VCF-style: chr10-104050877-C-T. GRCh37 (hg19) VCF-style: chr10-105810635-C-T.
Other names: short protein forms R688Q.
Identifiers: ClinVar variation 4699522 (VCV004699522.1).

ClinVar aggregate classification (germline): Uncertain significance (1 of 4 stars; one submission).

gnomAD v4.1: 28 of 1,614,076 alleles (0.0017%); highest among the groups gnomAD compares: Admixed American, 0.0067%; no homozygotes.

Submission:

Labcorp Genetics (formerly Invitae), Labcorp
Classification: Uncertain significance. Last evaluated: 2025-12-23. Review status: criteria provided, single submitter. Criteria: Invitae Variant Classification Sherloc (09022015). Collection method: clinical testing. Allele origin: germline.
Comment: This sequence change replaces arginine, which is basic and polar, with glutamine, which is neutral and polar, at codon 688 of the COL17A1 protein (p.Arg688Gln). This variant is present in population databases (no rsID available, gnomAD 0.004%). This variant has not been reported in the literature in individuals affected with COL17A1-related conditions. Invitae Evidence Modeling of protein sequence and biophysical properties (such as structural, functional, and spatial information, amino acid conservation, physicochemical variation, residue mobility, and thermodynamic stability) indicates that this missense variant is not expected to disrupt COL17A1 protein function with a negative predictive value of 80%. In summary, the available evidence is currently insufficient to determine the role of this variant in disease. Therefore, it has been classified as a Variant of Uncertain Significance.